The following is an entry in ClinVar:

NM_014014.5(SNRNP200):c.5745C>A (p.Ile1915=)

Gene: SNRNP200 (small nuclear ribonucleoprotein U5 subunit 200; minus strand). Cytogenetic location: 2q11.2.
Variant type: single nucleotide variant.
Coding change: c.5745C>A on transcript NM_014014.5 (MANE Select); coding-DNA position 5745, C replaced by A.
Protein change: p.Ile1915=; no amino-acid change (isoleucine 1915 retained).
Molecular consequence: synonymous variant.
Genome position (GRCh38, 1-based): chr2:96,277,816, G>T on the plus strand (C>A on the coding strand, the complement: SNRNP200 is on the minus strand). VCF-style: chr2-96277816-G-T. GRCh37 (hg19) VCF-style: chr2-96943554-G-T.
Other names: c.5745C>A (NM_014014.4).
Identifiers: ClinVar variation 1105548 (VCV001105548.11), dbSNP rs749740415, ClinGen allele CA1777906.
Genomic context (GRCh38, chr2:96,277,816, plus strand): 5'-CTGAGATGTTTAGAGCACCACTGACCCCTCTGCCCCACACCCACACTCTACCTTACTAAG[G>T]ATTTCCTCCGTATCTGACTGCAACTCAGCACTCAGCTGCATGCGAGACAAGTGAGCCTGC-3'
Protein context (NP_054733.2, residues 1905-1925): SAELQSDTEE[Ile1915=]LSKAIRLIQA

ClinVar aggregate classification (germline): Likely benign. Review status: criteria provided, multiple submitters, no conflicts (2 of 4 stars). 3 submissions from 3 submitters: Likely benign (3). Last evaluated 2025-11-18.

Conditions:
SNRNP200-related disorder. Also called: SNRNP200-related condition.

Allele frequency attached by ClinVar (database versions not stated): TOPMed 0.00002; ExAC 0.00003; gnomAD 0.00003; gnomAD exomes 0.00004 and 0.00005.
gnomAD v4.1: 76 of 1,614,110 alleles (0.0047%); highest among the groups gnomAD compares: South Asian, 0.018%; no homozygotes.

Submissions (3):

Labcorp Genetics (formerly Invitae), Labcorp
Classification: Likely benign. Last evaluated: 2025-11-18. Review status: criteria provided, single submitter. Criteria: Invitae Variant Classification Sherloc (09022015). Collection method: clinical testing. Allele origin: germline.

PreventionGenetics, part of Exact Sciences
Classification: Likely benign for SNRNP200-related condition. Last evaluated: 2025-09-30. Review status: criteria provided, single submitter. Criteria: ACMG Guidelines, 2015. Collection method: clinical testing. Allele origin: germline.
Comment: This variant is classified as likely benign based on ACMG/AMP sequence variant interpretation guidelines (Richards et al. 2015 PMID: 25741868, with internal and published modifications).

Blueprint Genetics
Classification: Likely benign. Last evaluated: 2022-11-09. Review status: criteria provided, single submitter. Criteria: ACMG Guidelines, 2015. Collection method: clinical testing. Allele origin: germline.